The following is an entry in ClinVar:

ClinVar aggregate classification (germline): Pathogenic (1 of 4 stars; one submission).

Submission:

GeneDx
Classification: Pathogenic. Last evaluated: 2018-01-12. Review status: criteria provided, single submitter. Criteria: GeneDx Variant Classification (06012015). Collection method: clinical testing. Allele origin: germline. Affected: yes.
Comment: The c.313_314dupGA variant in the CTCF gene has not been reported previously as a pathogenic variant nor as a benign variant, to our knowledge. The c.313_314dupGA variant causes a frameshift starting with codon Glutamine 106, changes this amino acid to an Asparagine residue, and creates a premature Stop codon at position 4 of the new reading frame, denoted p.Gln106AsnfsX4. This variant is predicted to cause loss of normal protein function either through protein truncation or nonsense-mediated mRNA decay. The c.313_314dupGA variant is not observed in large population cohorts (Lek et al., 2016). We interpret c.313_314dupGA as a pathogenic variant.

NM_006565.4(CTCF):c.313_314dup (p.Gln106fs)

Gene: CTCF (CCCTC-binding factor; plus strand). Cytogenetic location: 16q22.1.
Variant type: Duplication.
Coding change: c.313_314dup on transcript NM_006565.4 (MANE Select); coding-DNA positions 313 to 314, 2 bases duplicated (GA; older notation c.313_314dupGA).
Protein change: p.Gln106fs; shifts the reading frame from glutamine 106.
Molecular consequence: frameshift variant. On other transcripts: intron variant (1).
Genome position (GRCh38, 1-based): chr16:67,611,145-67,611,146, GA duplicated. VCF-style (leftmost placement, unchanged base first): chr16-67611144-G-GGA. GRCh37 (hg19) VCF-style: chr16-67645047-G-GGA.
Other names: c.313_314dup, p.Gln106Asnfs (NM_001363916.2); c.-32-5600_-32-5599dup (NM_001191022.2); c.313_314dupGA (NM_006565.3); short protein forms Q106fs.
Identifiers: ClinVar variation 504066 (VCV000504066.1), dbSNP rs1555534093, ClinGen allele CA658798613.
Genomic context (GRCh38, chr16:67,611,144, plus strand): 5'-AGAAGCAGAGGCTGCTGTGGACGATACCCAGATTATAACTTTACAGGTTGTAAATATGGA[G>GGA]GAACAGCCCATAAACATAGGAGAACTTCAGCTTGTTCAAGTACCTGTTCCTGTGACTGTA-3'